The following is an entry in ClinVar:

ClinVar aggregate classification (germline): Uncertain significance (1 of 4 stars; one submission).

gnomAD v4.1: 9 of 1,613,388 alleles (0.00056%); highest among the groups gnomAD compares: Non-Finnish European, 0.00068%; no homozygotes.

Submission:

Labcorp Genetics (formerly Invitae), Labcorp
Classification: Uncertain significance. Last evaluated: 2024-10-16. Review status: criteria provided, single submitter. Criteria: Invitae Variant Classification Sherloc (09022015). Collection method: clinical testing. Allele origin: germline.
Comment: This sequence change replaces arginine, which is basic and polar, with histidine, which is basic and polar, at codon 273 of the FREM2 protein (p.Arg273His). This variant is present in population databases (rs201675703, gnomAD 0.002%). This variant has not been reported in the literature in individuals affected with FREM2-related conditions. Invitae Evidence Modeling of protein sequence and biophysical properties (such as structural, functional, and spatial information, amino acid conservation, physicochemical variation, residue mobility, and thermodynamic stability) indicates that this missense variant is not expected to disrupt FREM2 protein function with a negative predictive value of 80%. In summary, the available evidence is currently insufficient to determine the role of this variant in disease. Therefore, it has been classified as a Variant of Uncertain Significance.

NM_207361.6(FREM2):c.818G>A (p.Arg273His)

Gene: FREM2 (FRAS1 related extracellular matrix 2; plus strand). Cytogenetic location: 13q13.3.
Variant type: single nucleotide variant.
Coding change: c.818G>A on transcript NM_207361.6 (MANE Select); coding-DNA position 818, G replaced by A.
Protein change: p.Arg273His; replaces arginine 273 with histidine.
Molecular consequence: missense variant.
Genome position (GRCh38, 1-based): chr13:38,688,162, G>A. VCF-style: chr13-38688162-G-A. GRCh37 (hg19) VCF-style: chr13-39262299-G-A.
Other names: short protein forms R273H.
Identifiers: ClinVar variation 3664393 (VCV003664393.2).